The following is an entry in ClinVar:

NM_001184.4(ATR):c.6376A>G (p.Ile2126Val)

Gene: ATR (ATR checkpoint kinase; minus strand). Cytogenetic location: 3q23.
Variant type: single nucleotide variant.
Coding change: c.6376A>G on transcript NM_001184.4 (MANE Select); coding-DNA position 6376, A replaced by G.
Protein change: p.Ile2126Val; replaces isoleucine 2126 with valine.
Molecular consequence: missense variant.
Genome position (GRCh38, 1-based): chr3:142,469,513, T>C on the plus strand (A>G on the coding strand, the complement: ATR is on the minus strand). VCF-style: chr3-142469513-T-C. GRCh37 (hg19) VCF-style: chr3-142188355-T-C.
Other names: c.6184A>G, p.Ile2062Val (NM_001354579.2); short protein forms I2062V, I2126V.
Identifiers: ClinVar variation 1063193 (VCV001063193.10), dbSNP rs370244617, ClinGen allele CA2649342.
Genomic context (GRCh38, chr3:142,469,513, plus strand): 5'-TCAATTGTGAAAAAGCAGTCAAAAATTGATATGGAGCTAAATAGTTTGTATGCTCTGTGA[T>C]AACCTTGTTTATTTTACCCAAATCATTCCTCATTTGTACACGATCGGAGCGGCCAGCTGG-3'
Protein context (NP_001175.2, residues 2116-2136): RNDLGKINKV[Ile2126Val]TEHTNYLAPY

ClinVar aggregate classification (germline): Uncertain significance. Review status: criteria provided, multiple submitters, no conflicts (2 of 4 stars). 4 submissions from 3 submitters: Uncertain significance (4). Last evaluated 2026-01-17.

Conditions:
Familial cutaneous telangiectasia and oropharyngeal predisposition cancer syndrome. Identifiers: Orphanet 313846, MedGen C3281203, MONDO:0013806, OMIM 614564.
Inborn genetic diseases. Identifiers: MedGen C0950123, MeSH D030342.
Seckel syndrome 1 (SCKL1). Also called: MICROCEPHALIC PRIMORDIAL DWARFISM I. Identifiers: Orphanet 808, MedGen C4551474, MONDO:0008869, OMIM 210600.

Allele frequency attached by ClinVar (database versions not stated): gnomAD exomes below 0.00001 and 0.00001; ExAC 0.00001; ESP Exome Variant Server 0.00008.
gnomAD v4.1: 21 of 1,613,986 alleles (0.0013%); highest among the groups gnomAD compares: Non-Finnish European, 0.0017%; no homozygotes.

Submissions (4):

Labcorp Genetics (formerly Invitae), Labcorp
Classification: Uncertain significance. Last evaluated: 2026-01-17. Review status: criteria provided, single submitter. Criteria: Invitae Variant Classification Sherloc (09022015). Collection method: clinical testing. Allele origin: germline.
Comment: This sequence change replaces isoleucine, which is neutral and non-polar, with valine, which is neutral and non-polar, at codon 2126 of the ATR protein (p.Ile2126Val). This variant is present in population databases (rs370244617, gnomAD 0.007%). This variant has not been reported in the literature in individuals affected with ATR-related conditions. ClinVar contains an entry for this variant (Variation ID: 1063193). An algorithm developed to predict the effect of missense changes on protein structure and function (PolyPhen-2) suggests that this variant is likely to be tolerated. In summary, the available evidence is currently insufficient to determine the role of this variant in disease. Therefore, it has been classified as a Variant of Uncertain Significance.

Ambry Genetics
Classification: Uncertain significance for Inborn genetic diseases. Last evaluated: 2023-08-26. Review status: criteria provided, single submitter. Criteria: Ambry Variant Classification Scheme 2023. Collection method: clinical testing. Allele origin: germline.
Comment: The p.I2126V variant (also known as c.6376A>G), located in coding exon 38 of the ATR gene, results from an A to G substitution at nucleotide position 6376. The isoleucine at codon 2126 is replaced by valine, an amino acid with highly similar properties. This amino acid position is conserved. In addition, this alteration is predicted to be tolerated by in silico analysis. Since supporting evidence is limited at this time, the clinical significance of this alteration remains unclear.

Genome-Nilou Lab
Classification: Uncertain significance for Seckel syndrome 1. Last evaluated: 2023-02-08. Review status: criteria provided, single submitter. Criteria: ACMG Guidelines, 2015. Collection method: clinical testing. Allele origin: germline.

Genome-Nilou Lab
Classification: Uncertain significance for Familial cutaneous telangiectasia and oropharyngeal predisposition cancer syndrome. Last evaluated: 2023-02-08. Review status: criteria provided, single submitter. Criteria: ACMG Guidelines, 2015. Collection method: clinical testing. Allele origin: germline.